The following is an entry in ClinVar:

NM_000201.3(ICAM1):c.118C>T (p.Arg40Trp)

Genes: ICAM1 (intercellular adhesion molecule 1; plus strand), LIMASI (lncRNA inflammatory and mucous response associated, antisense to ICAM1; minus strand). Cytogenetic location: 19p13.2.
Variant type: single nucleotide variant.
Coding change: c.118C>T on transcript NM_000201.3 (MANE Select); coding-DNA position 118, C replaced by T.
Protein change: p.Arg40Trp; replaces arginine 40 with tryptophan.
Molecular consequence: missense variant.
Genome position (GRCh38, 1-based): chr19:10,274,815, C>T. VCF-style: chr19-10274815-C-T. GRCh37 (hg19) VCF-style: chr19-10385491-C-T.
Other names: short protein forms R40W.
Identifiers: ClinVar variation 2500042 (VCV002500042.1), dbSNP rs747111380, ClinGen allele CA9189722.

ClinVar aggregate classification (germline): Uncertain significance (1 of 4 stars; one submission).

Conditions:
Malaria, susceptibility to. Identifiers: Orphanet 673, MedGen C1970028, MONDO:0021024, OMIM 611162.

Allele frequency attached by ClinVar (database versions not stated): gnomAD 0.00009; ExAC 0.00034.
gnomAD v4.1: 161 of 1,614,192 alleles (0.01%); highest among the groups gnomAD compares: Admixed American, 0.21%; 1 homozygote.

Submission:

Center for Genomics, Ann and Robert H. Lurie Children's Hospital of Chicago
Classification: Uncertain significance for Malaria, susceptibility to. Last evaluated: 2022-07-12. Review status: criteria provided, single submitter. Criteria: ACMG Guidelines, 2015. Collection method: clinical testing. Allele origin: germline.
Comment: This variant has not been reported in the literature but is present in the Genome Aggregation Database (Highest reported MAF 0.09% (14/15278). Evolutionary conservation and computational predictive tools for this variant are unclear. In summary, data on this variant is insufficient for disease classification. Therefore, the clinical significance of this variant is uncertain.